The following is an entry in ClinVar:

NM_018646.6(TRPV6):c.1199C>T (p.Thr400Met)

Gene: TRPV6 (transient receptor potential cation channel subfamily V member 6; minus strand). Cytogenetic location: 7q34.
Variant type: single nucleotide variant.
Coding change: c.1199C>T on transcript NM_018646.6 (MANE Select); coding-DNA position 1199, C replaced by T.
Protein change: p.Thr400Met; replaces threonine 400 with methionine.
Molecular consequence: missense variant.
Genome position (GRCh38, 1-based): chr7:142,875,511, G>A on the plus strand (C>T on the coding strand, the complement: TRPV6 is on the minus strand). VCF-style: chr7-142875511-G-A. GRCh37 (hg19) VCF-style: chr7-142573264-G-A.
Other names: short protein forms T400M.
Identifiers: ClinVar variation 3714935 (VCV003714935.2).

ClinVar aggregate classification (germline): Uncertain significance (1 of 4 stars; one submission).

Submission:

Labcorp Genetics (formerly Invitae), Labcorp
Classification: Uncertain significance. Last evaluated: 2024-11-11. Review status: criteria provided, single submitter. Criteria: Invitae Variant Classification Sherloc (09022015). Collection method: clinical testing. Allele origin: germline.
Comment: This sequence change replaces threonine, which is neutral and polar, with methionine, which is neutral and non-polar, at codon 400 of the TRPV6 protein (p.Thr400Met). This variant is present in population databases (rs765812934, gnomAD 0.01%). This missense change has been observed in individual(s) with chronic pancreatitis (PMID: 32383311). Experimental studies and prediction algorithms are not available or were not evaluated, and the functional significance of this variant is currently unknown. In summary, the available evidence is currently insufficient to determine the role of this variant in disease. Therefore, it has been classified as a Variant of Uncertain Significance.

Literature cited by the submitters: PubMed 32383311.